The following is an entry in ClinVar:

ClinVar aggregate classification (germline): Pathogenic (1 of 4 stars; one submission).

Conditions:
Hereditary cancer-predisposing syndrome. Also called: Neoplastic Syndromes, Hereditary; Tumor predisposition; Hereditary Cancer Syndrome; Hereditary neoplastic syndrome. Identifiers: Orphanet 140162, MedGen C0027672, MeSH D009386, MONDO:0015356.

Submission:

Ambry Genetics
Classification: Pathogenic for Hereditary cancer-predisposing syndrome. Last evaluated: 2020-10-20. Review status: criteria provided, single submitter. Criteria: Ambry Variant Classification Scheme 2023. Collection method: clinical testing. Allele origin: germline.
Comment: The c.3464_3468delAAGAA pathogenic mutation, located in coding exon 15 of the APC gene, results from a deletion of 5 nucleotides at nucleotide positions 3464 to 3468, causing a translational frameshift with a predicted alternate stop codon (p.E1155Gfs*7). This variant has been detected in multiple individuals with FAP or AFAP (Jarry J et al. Fam Cancer, 2011 Dec;10:659-65; Friedl W et al. Hered Cancer Clin Pract, 2005 Sep;3:95-114; Gavert N et al. Hum Mutat, 2002 Jun;19:664; Hamzehloei T et al. Hum Mol Genet, 1994 Jun;3:1023-4). This alteration is expected to result in loss of function by premature protein truncation or nonsense-mediated mRNA decay. As such, this alteration is interpreted as a disease-causing mutation.

Literature cited by the submitters: PubMed 12007223; PubMed 20223039; PubMed 21779980; PubMed 7951218.

NM_000038.6(APC):c.3464_3468del (p.Glu1155fs)

Gene: APC (APC regulator of Wnt signaling pathway; plus strand). Cytogenetic location: 5q22.2.
Variant type: Deletion.
Coding change: c.3464_3468del on transcript NM_000038.6 (MANE Select); coding-DNA positions 3464 to 3468, 5 bases deleted (AAGAA; older notation c.3464_3468delAAGAA).
Protein change: p.Glu1155fs; shifts the reading frame from glutamic acid 1155.
Molecular consequence: frameshift variant.
Genome position (GRCh38, 1-based): chr5:112,839,058-112,839,062, AAGAA deleted. VCF-style (leftmost placement, unchanged base first): chr5-112839057-GAAGAA-G. GRCh37 (hg19) VCF-style: chr5-112174754-GAAGAA-G.
Other names: c.3464_3468del, p.Glu1155fs (NM_001127510.3, NM_001354895.2); c.3410_3414del, p.Glu1137fs (NM_001127511.3); c.3518_3522del, p.Glu1173fs (NM_001354896.2); c.3494_3498del, p.Glu1165fs (NM_001354897.2); c.3389_3393del, p.Glu1130fs (NM_001354898.2); c.3380_3384del, p.Glu1127fs (NM_001354899.2); c.3341_3345del, p.Glu1114fs (NM_001354900.2); c.3287_3291del, p.Glu1096fs (NM_001354901.2); and 16 more; short protein forms E1029fs, E1096fs, E1137fs, E1114fs, E1127fs, E1173fs, E872fs, E1054fs.
Identifiers: ClinVar variation 1731660 (VCV001731660.2), dbSNP rs2533500189, ClinGen allele CA658760922.